The following is an entry in ClinVar:

NM_001851.6(COL9A1):c.1562C>T (p.Ala521Val)

Gene: COL9A1 (collagen type IX alpha 1 chain; minus strand). Cytogenetic location: 6q13.
Variant type: single nucleotide variant.
Coding change: c.1562C>T on transcript NM_001851.6 (MANE Select); coding-DNA position 1562, C replaced by T.
Protein change: p.Ala521Val; replaces alanine 521 with valine.
Molecular consequence: missense variant. On other transcripts: non-coding transcript variant (1).
Genome position (GRCh38, 1-based): chr6:70,255,199, G>A on the plus strand (C>T on the coding strand, the complement: COL9A1 is on the minus strand). VCF-style: chr6-70255199-G-A. GRCh37 (hg19) VCF-style: chr6-70964902-G-A.
Other names: c.833C>T, p.Ala278Val (NM_001377289.1, NM_001377290.1, NM_078485.4); c.1562C>T (NM_001851.4); short protein forms A521V, A278V.
Identifiers: ClinVar variation 1492662 (VCV001492662.7), dbSNP rs773325813, ClinGen allele CA3882131.

ClinVar aggregate classification (germline): Uncertain significance. Review status: criteria provided, multiple submitters, no conflicts (2 of 4 stars). 2 submissions from 2 submitters: Uncertain significance (2). Last evaluated 2025-01-06.

Conditions:
Inborn genetic diseases. Identifiers: MedGen C0950123, MeSH D030342.

Allele frequency attached by ClinVar (database versions not stated): ExAC 0.00001; gnomAD exomes 0.00001; TOPMed 0.00004; gnomAD 0.00005.
gnomAD v4.1: 14 of 1,614,028 alleles (0.00087%); highest among the groups gnomAD compares: African/African-American, 0.012%; no homozygotes.

Submissions (2):

Labcorp Genetics (formerly Invitae), Labcorp
Classification: Uncertain significance. Last evaluated: 2025-01-06. Review status: criteria provided, single submitter. Criteria: Invitae Variant Classification Sherloc (09022015). Collection method: clinical testing. Allele origin: germline.
Comment: This sequence change replaces alanine, which is neutral and non-polar, with valine, which is neutral and non-polar, at codon 521 of the COL9A1 protein (p.Ala521Val). This variant is present in population databases (rs773325813, gnomAD 0.01%). This variant has not been reported in the literature in individuals affected with COL9A1-related conditions. ClinVar contains an entry for this variant (Variation ID: 1492662). Invitae Evidence Modeling of protein sequence and biophysical properties (such as structural, functional, and spatial information, amino acid conservation, physicochemical variation, residue mobility, and thermodynamic stability) indicates that this missense variant is not expected to disrupt COL9A1 protein function with a negative predictive value of 95%. In summary, the available evidence is currently insufficient to determine the role of this variant in disease. Therefore, it has been classified as a Variant of Uncertain Significance.

Ambry Genetics
Classification: Uncertain significance for Inborn genetic diseases. Last evaluated: 2024-03-26. Review status: criteria provided, single submitter. Criteria: Ambry Variant Classification Scheme 2023. Collection method: clinical testing. Allele origin: germline.